The following is an entry in ClinVar:

ClinVar aggregate classification (germline): Pathogenic (1 of 4 stars; one submission).

Conditions:
Hawkinsinuria. Identifiers: Orphanet 2118, MedGen C2931042, MONDO:0007700, OMIM 140350, HP:0034457.
Tyrosinemia type III. Also called: Tyrosinemia type 3; 4-alpha hydroxyphenylpyruvic acid oxidase deficiency; 4-alpha hydroxyphenylpyruvate dioxygenase deficiency; 4-Hydroxyphenylpyruvate dioxygenase deficiency; 4-HYDROXYPHENYLPYRUVIC ACID OXIDASE DEFICIENCY. Identifiers: Orphanet 69723, MedGen C0268623, MONDO:0010162, OMIM 276710.

Submission:

Labcorp Genetics (formerly Invitae), Labcorp
Classification: Pathogenic for Tyrosinemia type III; Hawkinsinuria. Last evaluated: 2024-01-03. Review status: criteria provided, single submitter. Criteria: Invitae Variant Classification Sherloc (09022015). Collection method: clinical testing. Allele origin: germline.
Comment: This sequence change creates a premature translational stop signal (p.Pro239Serfs*40) in the HPD gene. It is expected to result in an absent or disrupted protein product. Loss-of-function variants in HPD are known to be pathogenic (PMID: 10942115, 23036342). This variant is not present in population databases (gnomAD no frequency). This variant has not been reported in the literature in individuals affected with HPD-related conditions. For these reasons, this variant has been classified as Pathogenic.

Literature cited by the submitters: PubMed 10942115; PubMed 23036342.

NM_002150.3(HPD):c.715_724del (p.Pro239fs)

Genes: HPD (4-hydroxyphenylpyruvate dioxygenase; minus strand), TIALD (transcript inducer of AURKA lysosomal degradation; plus strand). Cytogenetic location: 12q24.31.
Variant type: Deletion.
Coding change: c.715_724del on transcript NM_002150.3 (MANE Select); coding-DNA positions 715 to 724, 10 bases deleted (CCCATCAATG; older notation c.715_724delCCCATCAATG).
Protein change: p.Pro239fs; shifts the reading frame from proline 239.
Molecular consequence: frameshift variant.
Genome position (GRCh38, 1-based): chr12:121,847,087-121,847,096, CATTGATGGG deleted on the plus strand (CCCATCAATG on the coding strand, the reverse complement: HPD is on the minus strand); deleting any 10 consecutive bases within chr12:121,847,087-121,847,099 gives the same sequence; the c. name uses the placement nearest the transcript's 3' end. VCF-style (leftmost placement, unchanged base first): chr12-121847086-TCATTGATGGG-T. GRCh37 (hg19) VCF-style: chr12-122284992-TCATTGATGGG-T.
Other names: c.598_607del, p.Pro200fs (NM_001171993.2); short protein forms P239fs, P200fs.
Identifiers: ClinVar variation 2921754 (VCV002921754.3), dbSNP rs2500298619, ClinGen allele CA2740097602.